The following is an entry in ClinVar:

NM_001048174.2(MUTYH):c.-3_21del (p.Met1_Ala7del)

Gene: MUTYH (mutY DNA glycosylase; minus strand). Cytogenetic location: 1p34.1.
Variant type: Deletion.
Coding change: c.-3_21del on transcript NM_001048174.2 (MANE Select); 3 bases upstream of the start codon through coding-DNA position 21, 24 bases deleted (ATCATGAGGAAGCCACGAGCAGCC).
Protein change: p.Met1_Ala7del.
Molecular consequence: inframe deletion, initiator codon variant. On other transcripts: non-coding transcript variant (2), 5 prime UTR variant (4), inframe indel (4).
Genome position (GRCh38, 1-based): chr1:45,334,485-45,334,508, GGCTGCTCGTGGCTTCCTCATGAT deleted on the plus strand (ATCATGAGGAAGCCACGAGCAGCC on the coding strand, the reverse complement: MUTYH is on the minus strand); deleting any 24 consecutive bases within chr1:45,334,485-45,334,511 gives the same sequence; the c. name uses the placement nearest the transcript's 3' end. VCF-style (leftmost placement, unchanged base first): chr1-45334484-CGGCTGCTCGTGGCTTCCTCATGAT-C. GRCh37 (hg19) VCF-style: chr1-45800156-CGGCTGCTCGTGGCTTCCTCATGAT-C.
Other names: c.-218_-195del24 (NM_001407091.1); c.40_63del, p.Ile14_Ala21del (NM_012222.3, NM_001128425.2, NM_001293190.2); c.-3_21del, p.Met1_Ala7del (NM_001048171.2, NM_001048172.2, NM_001048173.2 and 2 more transcripts); c.-215_-192del (NM_001293192.2, NM_001293196.2); c.-274_-251del (NM_001350650.2); c.-210_-187del (NM_001350651.2); c.37_60del24, p.Ile14_Ala21del (NM_001407069.1, NM_001407073.1); c.-6_18del24, p.Met(?_1)_Ala6(?) (NM_001407070.1, NM_001407071.1, NM_001407072.1 and 10 more transcripts); and 4 more.
Identifiers: ClinVar variation 1736924 (VCV001736924.3), dbSNP rs2524364839, ClinGen allele CA2580063296.

ClinVar aggregate classification (germline): Uncertain significance (1 of 4 stars; one submission).

Conditions:
Hereditary cancer-predisposing syndrome. Also called: Neoplastic Syndromes, Hereditary; Tumor predisposition; Hereditary Cancer Syndrome; Hereditary neoplastic syndrome. Identifiers: Orphanet 140162, MedGen C0027672, MeSH D009386, MONDO:0015356.

Submission:

Ambry Genetics
Classification: Uncertain significance for Hereditary cancer-predisposing syndrome. Last evaluated: 2022-10-18. Review status: criteria provided, single submitter. Criteria: Ambry Variant Classification Scheme 2023. Collection method: clinical testing. Allele origin: germline.
Comment: The c.40_63del24 variant (also known as p.I14_A21del) is located in coding exon 2 of the MUTYH gene. This variant results from an in-frame ATCATGAGGAAGCCACGAGCAGCC deletion at nucleotide positions 40 to 63. This results in the in-frame deletion of 8 aminio acids at codon 14. This amino acid region is not well conserved in available vertebrate species. Since supporting evidence is limited at this time, the clinical significance of this alteration remains unclear.